The following is an entry in ClinVar:

ClinVar aggregate classification (germline): Uncertain significance (1 of 4 stars; one submission).

Conditions:
Wilson disease (WND). Also called: Wilson's disease. Identifiers: Orphanet 905, MedGen C0019202, MONDO:0010200, OMIM 277900. Disease mechanism: loss of function.

gnomAD v4.1: 11 of 1,613,980 alleles (0.00068%); highest among the groups gnomAD compares: Non-Finnish European, 0.00076%; no homozygotes.

Submission:

All of Us Research Program, National Institutes of Health
Classification: Uncertain significance for Wilson disease. Last evaluated: 2024-04-25. Review status: criteria provided, single submitter. Criteria: ACMG Guidelines, 2015. Collection method: clinical testing. Allele origin: germline. Inheritance: Autosomal recessive inheritance. Observed: 1 variant allele, 1 heterozygote.
Comment: This missense variant replaces leucine with phenylalanine at codon 936 of the ATP7B protein. Computational prediction is inconclusive regarding the impact of this variant on protein structure and function. To our knowledge, functional studies have not been reported for this variant. This variant has not been reported in individuals affected with ATP7B-related disorders in the literature. This variant has been identified in 1/31404 chromosomes in the general population by the Genome Aggregation Database (gnomAD). The available evidence is insufficient to determine the role of this variant in disease conclusively. Therefore, this variant is classified as a Variant of Uncertain Significance.

This study involves interpretation of variants in research participants for the purpose of population health screening. Participant phenotype was not available at the time of variant classification. Additional details can be found in publication PMID: 35346344, PMCID: PMC8962531

NM_000053.4(ATP7B):c.2808G>T (p.Leu936Phe)

Gene: ATP7B (ATPase copper transporting beta; minus strand). Cytogenetic location: 13q14.3.
Variant type: single nucleotide variant.
Coding change: c.2808G>T on transcript NM_000053.4 (MANE Select); coding-DNA position 2808, G replaced by T.
Protein change: p.Leu936Phe; replaces leucine 936 with phenylalanine.
Molecular consequence: missense variant. On other transcripts: intron variant (3).
Genome position (GRCh38, 1-based): chr13:51,949,719, C>A on the plus strand (G>T on the coding strand, the complement: ATP7B is on the minus strand). VCF-style: chr13-51949719-C-A. GRCh37 (hg19) VCF-style: chr13-52523855-C-A.
Other names: c.2475G>T, p.Leu825Phe (NM_001243182.2); c.2574G>T, p.Leu858Phe (NM_001330578.2, NM_001406534.1, NM_001406538.1 and 2 more transcripts); c.2556G>T, p.Leu852Phe (NM_001330579.2, NM_001406532.1, NM_001406540.1 and 1 more transcripts); c.2808G>T, p.Leu936Phe (NM_001406511.1, NM_001406512.1, NM_001406513.1 and 5 more transcripts); c.2775G>T, p.Leu925Phe (NM_001406514.1); c.2712G>T, p.Leu904Phe (NM_001406517.1, NM_001406518.1); c.2664G>T, p.Leu888Phe (NM_001406520.1, NM_001406521.1, NM_001406537.1 and 1 more transcripts); c.2478G>T, p.Leu826Phe (NM_001406536.1); and 10 more; short protein forms L506F, L720F, L742F, L774F, L793F, L820F, L825F, L826F.
Identifiers: ClinVar variation 3387597 (VCV003387597.1).
Genomic context (GRCh38, chr13:51,949,719, plus strand): 5'-TACAGGAAAGTATCTCTGAACAACACCAAAATCGATAAAACCGATTACAATCCATACCAC[C>A]AACGTCAAAGTTGACATGATGATGATAAATGGGACAAAATATCCACTAAACCGGTCAGCC-3'
Protein context (NP_000044.2, residues 926-946): PFIIIMSTLT[Leu936Phe]VVWIVIGFID